The following is an entry in ClinVar:

NM_000432.4(MYL2):c.30C>T (p.Ala10=)

Genes: MYL2 (myosin light chain 2; minus strand), LOC114827850 (VISTA enhancer hs2149; plus strand). Cytogenetic location: 12q24.11.
Variant type: single nucleotide variant.
Coding change: c.30C>T on transcript NM_000432.4 (MANE Select); coding-DNA position 30, C replaced by T.
Protein change: p.Ala10=; no amino-acid change (alanine 10 retained).
Molecular consequence: synonymous variant.
Genome position (GRCh38, 1-based): chr12:110,919,167, G>A on the plus strand (C>T on the coding strand, the complement: MYL2 is on the minus strand). VCF-style: chr12-110919167-G-A. GRCh37 (hg19) VCF-style: chr12-111356971-G-A.
Identifiers: ClinVar variation 696115 (VCV000696115.17), dbSNP rs752641375, ClinGen allele CA041517.

ClinVar aggregate classification (germline): Likely benign. Review status: criteria provided, multiple submitters, no conflicts (2 of 4 stars). 6 submissions from 6 submitters: Likely benign (6). Last evaluated 2026-01-17.

Conditions:
Cardiomyopathy (CMYO). Also called: Cardiomyopathies. Identifiers: Orphanet 167848, MedGen C0878544, MONDO:0004994, HP:0001638. Inheritance: Various modes of inheritance.
MYL2-related disorder. Also called: MYL2-related disorders; MYL2-related condition; MYL2-related disease.
Hypertrophic cardiomyopathy 10. Also called: CARDIOMYOPATHY, HYPERTROPHIC, MID-LEFT VENTRICULAR CHAMBER TYPE, 2; MYL2-Related Familial Hypertrophic Cardiomyopathy. Identifiers: MedGen C1834460, MONDO:0012112, OMIM 608758.
Cardiovascular phenotype. Identifiers: MedGen CN230736.
Hypertrophic cardiomyopathy. Also called: HYPERTROPHIC MYOCARDIOPATHY. Identifiers: Orphanet 217569, MedGen C0007194, MeSH D002312, MONDO:0005045, HP:0001639.

Allele frequency attached by ClinVar (database versions not stated): ExAC 0.00002; gnomAD 0.00002; gnomAD exomes 0.00002; TOPMed 0.00002.
gnomAD v4.1: 13 of 1,613,532 alleles (0.00081%); highest among the groups gnomAD compares: African/African-American, 0.004%; no homozygotes.

Submissions (6):

Ambry Genetics
Classification: Likely benign for Cardiovascular phenotype. Last evaluated: 2026-01-17. Review status: criteria provided, single submitter. Criteria: Ambry Variant Classification Scheme 2023. Collection method: clinical testing. Allele origin: germline.

Labcorp Genetics (formerly Invitae), Labcorp
Classification: Likely benign for Hypertrophic cardiomyopathy 10. Last evaluated: 2025-12-08. Review status: criteria provided, single submitter. Criteria: Invitae Variant Classification Sherloc (09022015). Collection method: clinical testing. Allele origin: germline.

PreventionGenetics, part of Exact Sciences
Classification: Likely benign for MYL2-related condition. Last evaluated: 2025-04-17. Review status: criteria provided, single submitter. Criteria: ACMG Guidelines, 2015. Collection method: clinical testing. Allele origin: germline.
Comment: This variant is classified as likely benign based on ACMG/AMP sequence variant interpretation guidelines (Richards et al. 2015 PMID: 25741868, with internal and published modifications).

All of Us Research Program, National Institutes of Health
Classification: Likely benign for Hypertrophic cardiomyopathy. Last evaluated: 2023-08-15. Review status: criteria provided, single submitter. Criteria: ACMG Guidelines, 2015. Collection method: clinical testing. Allele origin: germline. Inheritance: Autosomal dominant inheritance. Observed: 4 variant alleles, 4 heterozygotes.
Comment: This study involves interpretation of variants in research participants for the purpose of population health screening. Participant phenotype was not available at the time of variant classification. Additional details can be found in publication PMID: 35346344, PMCID: PMC8962531

Color Diagnostics, LLC DBA Color Health
Classification: Likely benign for Cardiomyopathy. Last evaluated: 2022-04-25. Review status: criteria provided, single submitter. Criteria: ACMG Guidelines, 2015. Collection method: clinical testing. Allele origin: germline.

GeneDx
Classification: Likely benign. Last evaluated: 2018-12-13. Review status: criteria provided, single submitter. Criteria: GeneDx Variant Classification Process June 2021. Collection method: clinical testing. Allele origin: germline. Affected: yes.